The following is an entry in ClinVar:

ClinVar aggregate classification (germline): Conflicting classifications of pathogenicity. Review status: criteria provided, conflicting classifications (1 of 4 stars). 3 submissions from 3 submitters: Pathogenic (1); Uncertain significance (1). 1 of the submissions does not count toward it. Last evaluated 2025-04-28.

Conditions:
Deficiency of butyryl-CoA dehydrogenase (ACADSD). Also called: SCAD DEFICIENCY, MILD; ACYL-CoA DEHYDROGENASE, SHORT-CHAIN, DEFICIENCY OF; SCAD Deficiency; SCADH DEFICIENCY; ACADS DEFICIENCY; Short-Chain Acyl-CoA Dehydrogenase Deficiency. Identifiers: Orphanet 26792, MedGen C0342783, MONDO:0008722, OMIM 201470. Disease mechanism: May be benign.

Allele frequency attached by ClinVar (database versions not stated): gnomAD exomes below 0.00001 and 0.00002; gnomAD 0.00001; TOPMed 0.00001.
gnomAD v4.1: 33 of 1,613,728 alleles (0.002%); highest among the groups gnomAD compares: Non-Finnish European, 0.0028%; no homozygotes.

Submissions (3):

Labcorp Genetics (formerly Invitae), Labcorp
Classification: Pathogenic for Deficiency of butyryl-CoA dehydrogenase. Last evaluated: 2025-04-28. Review status: criteria provided, single submitter. Criteria: Invitae Variant Classification Sherloc (09022015). Collection method: clinical testing. Allele origin: germline.
Comment: This sequence change replaces alanine, which is neutral and non-polar, with threonine, which is neutral and polar, at codon 331 of the ACADS protein (p.Ala331Thr). This variant is present in population databases (no rsID available, gnomAD 0.002%). This missense change has been observed in individual(s) with clinical features of ACADS-related conditions (PMID: 18676165, 27938594, 34869113; internal data). In at least one individual the data is consistent with being in trans (on the opposite chromosome) from a pathogenic variant. ClinVar contains an entry for this variant (Variation ID: 557838). Invitae Evidence Modeling of protein sequence and biophysical properties (such as structural, functional, and spatial information, amino acid conservation, physicochemical variation, residue mobility, and thermodynamic stability) indicates that this missense variant is expected to disrupt ACADS protein function with a positive predictive value of 95%. For these reasons, this variant has been classified as Pathogenic.

Women's Health and Genetics/Laboratory Corporation of America, LabCorp
Classification: Uncertain significance. Last evaluated: 2023-08-11. Review status: criteria provided, single submitter. Criteria: LabCorp Variant Classification Summary - May 2015. Collection method: clinical testing. Allele origin: germline.
Comment: Variant summary: ACADS c.991G>A (p.Ala331Thr) results in a non-conservative amino acid change located in the Acyl-CoA dehydrogenase/oxidase, C-terminal (IPR009075) of the encoded protein sequence. Five of five in-silico tools predict a damaging effect of the variant on protein function. The variant allele was found at a frequency of 4e-06 in 250790 control chromosomes (gnomAD). c.991G>A has been reported in the literature in individuals affected with Short-chain acyl-CoA dehydrogenase (SCAD) deficiency (examples: Waisbren_2008, Huang_2016, Zhou_2021). These data indicate that the variant may be associated with disease. To our knowledge, no experimental evidence demonstrating an impact on protein function has been reported. The following publications have been ascertained in the context of this evaluation (PMID: 27938594, 18676165, 34869113). One submitter has cited clinical-significance assessments for this variant to ClinVar after 2014 and has classified the variant as uncertain significance. Based on the evidence outlined above, the variant was classified as VUS-possibly pathogenic.

Counsyl
Classification: Uncertain significance for Deficiency of butyryl-CoA dehydrogenase. Last evaluated: 2018-04-10. Review status: no assertion criteria provided. Collection method: clinical testing. Allele origin: unknown. Not counted in ClinVar's aggregate classification.

Literature cited by the submitters: PubMed 18676165 (cited by 3 submitters); PubMed 27938594 (cited by 3 submitters); PubMed 34869113 (cited by Labcorp Genetics (formerly Invitae), Labcorp and Women's Health and Genetics/Laboratory Corporation of America, LabCorp).

NM_000017.4(ACADS):c.991G>A (p.Ala331Thr)

Gene: ACADS (acyl-CoA dehydrogenase short chain; plus strand). Cytogenetic location: 12q24.31.
Variant type: single nucleotide variant.
Coding change: c.991G>A on transcript NM_000017.4 (MANE Select); coding-DNA position 991, G replaced by A.
Protein change: p.Ala331Thr; replaces alanine 331 with threonine.
Molecular consequence: missense variant.
Genome position (GRCh38, 1-based): chr12:120,738,877, G>A. VCF-style: chr12-120738877-G-A. GRCh37 (hg19) VCF-style: chr12-121176680-G-A.
Other names: c.991G>A (NM_000017.3); c.979G>A, p.Ala327Thr (NM_001302554.2); short protein forms A331T, A327T.
Identifiers: ClinVar variation 557838 (VCV000557838.5), dbSNP rs1267288663, ClinGen allele CA386601528.